The following is an entry in ClinVar:

ClinVar aggregate classification (germline): Likely benign (1 of 4 stars; one submission).

gnomAD v4.1: 89 of 1,614,086 alleles (0.0055%); highest among the groups gnomAD compares: Admixed American, 0.0083%; no homozygotes.

Submission:

CeGaT Center for Human Genetics Tuebingen
Classification: Likely benign. Last evaluated: 2025-01-01. Review status: criteria provided, single submitter. Criteria: CeGaT Center For Human Genetics Tuebingen Variant Classification Criteria Version 2. Collection method: clinical testing. Allele origin: germline. Affected: yes. Observed: 1 variant allele.
Comment: NUP214: BP4, BP7

NM_005085.4(NUP214):c.4095G>A (p.Thr1365=)

Gene: NUP214 (nucleoporin 214; plus strand). Cytogenetic location: 9q34.13.
Variant type: single nucleotide variant.
Coding change: c.4095G>A on transcript NM_005085.4 (MANE Select); coding-DNA position 4095, G replaced by A.
Protein change: p.Thr1365=; no amino-acid change (threonine 1365 retained).
Molecular consequence: synonymous variant.
Genome position (GRCh38, 1-based): chr9:131,197,589, G>A. VCF-style: chr9-131197589-G-A. GRCh37 (hg19) VCF-style: chr9-134072976-G-A.
Other names: c.4065G>A, p.Thr1355= (NM_001318324.2); c.573G>A, p.Thr191= (NM_001318325.2).
Identifiers: ClinVar variation 3770628 (VCV003770628.13).